The following is an entry in ClinVar:

ClinVar aggregate classification (germline): Likely pathogenic (1 of 4 stars; one submission).

Conditions:
Combined oxidative phosphorylation deficiency 55 (COXPD55). Identifiers: MedGen C5676915, MONDO:0859228, OMIM 619743.

Submission:

Variantyx, Inc.
Classification: Likely pathogenic for Combined oxidative phosphorylation deficiency 55. Last evaluated: 2025-12-03. Review status: criteria provided, single submitter. Criteria: Variantyx Assertion Criteria 2022. Collection method: clinical testing. Allele origin: germline. Inheritance: Autosomal dominant inheritance. Affected: no.
Comment: This is a frameshift variant in the POLRMT gene (OMIM: 601778). Pathogenic variants in this gene have been associated with autosomal dominant or autosomal recessive combined oxidative phosphorylation deficiency 55. This variant introduces a premature termination codon in exon 10 out of 21 and is expected to result in loss of function, which is a known disease mechanism for POLRMT in this disorder (PVS1 (PMID:33602924). This variant has a 0.0001% maximum allele frequency in non-founder control populations (PM2). Based on the current evidence, this variant is classified as likely pathogenic for autosomal dominant or autosomal recessive combined oxidative phosphorylation deficiency 55.

Literature cited by the submitters: PubMed 33602924.

NM_005035.4(POLRMT):c.2140del (p.Leu714fs)

Gene: POLRMT (RNA polymerase mitochondrial; minus strand). Cytogenetic location: 19p13.3.
Variant type: Deletion.
Coding change: c.2140del on transcript NM_005035.4 (MANE Select); coding-DNA position 2140, one base deleted (C; older notation c.2140delC).
Protein change: p.Leu714fs; shifts the reading frame from leucine 714.
Molecular consequence: frameshift variant. On other transcripts: non-coding transcript variant (1).
Genome position (GRCh38, 1-based): chr19:621,558, G deleted on the plus strand (C on the coding strand, the reverse complement: POLRMT is on the minus strand). VCF-style (leftmost placement, unchanged base first): chr19-621557-AG-A. GRCh37 (hg19) VCF-style: chr19-621557-AG-A.
Other names: c.2140del, p.Leu714fs (NM_001407805.1, NM_001407808.1, NM_001407812.1 and 4 more transcripts); c.2131del, p.Leu711fs (NM_001407806.1, NM_001407809.1); c.2128del, p.Leu710fs (NM_001407807.1, NM_001407810.1); c.2098del, p.Leu700fs (NM_001407811.1, NM_001407813.1); c.1915del, p.Leu639fs (NM_001407830.1, NM_001407832.1); c.1816del, p.Leu606fs (NM_001407831.1, NM_001407833.1, NM_001407835.1 and 1 more transcripts); c.1807del, p.Leu603fs (NM_001407834.1); short protein forms L603fs, L606fs, L639fs, L700fs, L710fs, L711fs, L714fs.
Identifiers: ClinVar variation 4850749 (VCV004850749.1).
Genomic context (GRCh38, chr19:621,557, plus strand): 5'-GGGGCCGGCACGCCTAGCTGGGGGCAGCCCTTGGCCTGGAAGAGCTGCAGCACCAGGTCC[AG>A]CACGCGCCCGTTGACGCGCCAGGCGCAGTTGCCCAGTTGGGTGAGGGCGTCCAGTGCGCC-3'